The following is an entry in ClinVar:

NM_001365276.2(TNXB):c.2932C>T (p.Arg978Cys)

Gene: TNXB (tenascin XB; minus strand). Cytogenetic location: 6p21.33.
Variant type: single nucleotide variant.
Coding change: c.2932C>T on transcript NM_001365276.2 (MANE Select); coding-DNA position 2932, C replaced by T.
Protein change: p.Arg978Cys; replaces arginine 978 with cysteine.
Molecular consequence: missense variant.
Genome position (GRCh38, 1-based): chr6:32,085,966, G>A on the plus strand (C>T on the coding strand, the complement: TNXB is on the minus strand). VCF-style: chr6-32085966-G-A. GRCh37 (hg19) VCF-style: chr6-32053743-G-A.
Other names: c.2932C>T, p.Arg978Cys (NM_019105.8); short protein forms R978C.
Identifiers: ClinVar variation 3327837 (VCV003327837.1).
Genomic context (GRCh38, chr6:32,085,966, plus strand): 5'-GCACCCGCATGCGCAGTTGGAAGTAGGCAAAGGTGTCAGGCTGGGCGGTCCAGACCACAC[G>A]GAGGCGCCCTGTCTCATCTCTGCCCAGCACCCTCAACTCTCCCAGCTCCTGGGGGCGCTG-3'
Protein context (NP_001352205.1, residues 968-988): VLGRDETGRL[Arg978Cys]VVWTAQPDTF

ClinVar aggregate classification (germline): Uncertain significance (1 of 4 stars; one submission).

Conditions:
Cardiovascular phenotype. Identifiers: MedGen CN230736.

gnomAD v4.1: 15 of 1,607,956 alleles (0.00093%); highest among the groups gnomAD compares: East Asian, 0.0089%; no homozygotes.

Submission:

Ambry Genetics
Classification: Uncertain significance for Cardiovascular phenotype. Last evaluated: 2024-03-17. Review status: criteria provided, single submitter. Criteria: Ambry Variant Classification Scheme 2023. Collection method: clinical testing. Allele origin: germline.
Comment: The p.R978C variant (also known as c.2932C>T), located in coding exon 6 of the TNXB gene, results from a C to T substitution at nucleotide position 2932. The arginine at codon 978 is replaced by cysteine, an amino acid with highly dissimilar properties. This amino acid position is conserved. In addition, this alteration is predicted to be tolerated by in silico analysis. Based on the available evidence, the clinical significance of this alteration remains unclear.